The following is an entry in ClinVar:

NM_002907.4(RECQL):c.1058A>C (p.Lys353Thr)

Gene: RECQL (RecQ like helicase; minus strand). Cytogenetic location: 12p12.1.
Variant type: single nucleotide variant.
Coding change: c.1058A>C on transcript NM_002907.4 (MANE Select); coding-DNA position 1058, A replaced by C.
Protein change: p.Lys353Thr; replaces lysine 353 with threonine.
Molecular consequence: missense variant.
Genome position (GRCh38, 1-based): chr12:21,475,716, T>G on the plus strand (A>C on the coding strand, the complement: RECQL is on the minus strand). VCF-style: chr12-21475716-T-G. GRCh37 (hg19) VCF-style: chr12-21628650-T-G.
Other names: c.1058A>C, p.Lys353Thr (NM_032941.3); short protein forms K353T.
Identifiers: ClinVar variation 1779093 (VCV001779093.2), dbSNP rs143405344, ClinGen allele CA384121286.

ClinVar aggregate classification (germline): Uncertain significance (1 of 4 stars; one submission).

Allele frequency attached by ClinVar (database versions not stated): gnomAD exomes below 0.00001.
gnomAD v4.1: 1 of 1,613,534 alleles (0.000062%); highest among the groups gnomAD compares: Non-Finnish European, 0.000085%; no homozygotes.

Submission:

Ambry Genetics
Classification: Uncertain significance. Last evaluated: 2021-05-18. Review status: criteria provided, single submitter. Criteria: Ambry Variant Classification Scheme 2023. Collection method: clinical testing. Allele origin: germline.
Comment: The p.K353T variant (also known as c.1058A>C), located in coding exon 8 of the RECQL gene, results from an A to C substitution at nucleotide position 1058. The lysine at codon 353 is replaced by threonine, an amino acid with similar properties. This amino acid position is highly conserved in available vertebrate species. In addition, the in silico prediction for this alteration is inconclusive. Since supporting evidence is limited at this time, the clinical significance of this alteration remains unclear.